The following is an entry in ClinVar:

NM_001256007.3(PNPLA8):c.1327C>T (p.Arg443Ter)

Gene: PNPLA8 (patatin like domain 8, phospholipase A2; minus strand). Cytogenetic location: 7q31.1.
Variant type: single nucleotide variant.
Coding change: c.1327C>T on transcript NM_001256007.3 (MANE Select); coding-DNA position 1327, C replaced by T.
Protein change: p.Arg443Ter; replaces arginine 443 with a stop codon.
Molecular consequence: nonsense.
Genome position (GRCh38, 1-based): chr7:108,502,522, G>A on the plus strand (C>T on the coding strand, the complement: PNPLA8 is on the minus strand). VCF-style: chr7-108502522-G-A. GRCh37 (hg19) VCF-style: chr7-108142966-G-A.
Other names: c.1327C>T, p.Arg443Ter (NM_001256008.3, NM_001256009.3, NM_015723.5); c.1027C>T, p.Arg343Ter (NM_001256010.3, NM_001256011.3); short protein forms R343*, R443*.
Identifiers: ClinVar variation 1946508 (VCV001946508.5), dbSNP rs1489220084, ClinGen allele CA368896873.

ClinVar aggregate classification (germline): Pathogenic (1 of 4 stars; one submission).

gnomAD v4.1: 7 of 1,608,684 alleles (0.00044%); highest among the groups gnomAD compares: Non-Finnish European, 0.00059%; no homozygotes.

Submission:

Labcorp Genetics (formerly Invitae), Labcorp
Classification: Pathogenic. Last evaluated: 2022-01-30. Review status: criteria provided, single submitter. Criteria: Invitae Variant Classification Sherloc (09022015). Collection method: clinical testing. Allele origin: germline.
Comment: This variant is not present in population databases (gnomAD no frequency). This sequence change creates a premature translational stop signal (p.Arg443*) in the PNPLA8 gene. It is expected to result in an absent or disrupted protein product. Loss-of-function variants in PNPLA8 are known to be pathogenic (PMID: 29681094). This variant has not been reported in the literature in individuals affected with PNPLA8-related conditions. For these reasons, this variant has been classified as Pathogenic.

Literature cited by the submitters: PubMed 29681094.